The following is an entry in ClinVar:

ClinVar aggregate classification (germline): Uncertain significance (1 of 4 stars; one submission).

Conditions:
Curry-Hall syndrome (WAD). Also called: WEYERS ACRODENTAL DYSOSTOSIS. Identifiers: Orphanet 952, MedGen C0457013, MONDO:0008673, OMIM 193530.
Ellis-van Creveld syndrome (EVC). Also called: EVC-Related Ellis-van Creveld Syndrome; EVC2-Related Ellis-van Creveld Syndrome; MESOECTODERMAL DYSPLASIA; Chondroectodermal dysplasia. Identifiers: Orphanet 289, MedGen C0013903, MONDO:0009162, OMIM 225500.

gnomAD v4.1: 40 of 1,614,074 alleles (0.0025%); highest among the groups gnomAD compares: Non-Finnish European, 0.003%; no homozygotes.

Submission:

Labcorp Genetics (formerly Invitae), Labcorp
Classification: Uncertain significance for Curry-Hall syndrome; Ellis-van Creveld syndrome. Last evaluated: 2024-04-02. Review status: criteria provided, single submitter. Criteria: Invitae Variant Classification Sherloc (09022015). Collection method: clinical testing. Allele origin: germline.
Comment: This sequence change replaces threonine, which is neutral and polar, with serine, which is neutral and polar, at codon 981 of the EVC2 protein (p.Thr981Ser). This variant is present in population databases (rs767378795, gnomAD 0.004%). This variant has not been reported in the literature in individuals affected with EVC2-related conditions. An algorithm developed to predict the effect of missense changes on protein structure and function (PolyPhen-2) suggests that this variant is likely to be tolerated. In summary, the available evidence is currently insufficient to determine the role of this variant in disease. Therefore, it has been classified as a Variant of Uncertain Significance.

NM_147127.5(EVC2):c.2942C>G (p.Thr981Ser)

Gene: EVC2 (EvC ciliary complex subunit 2; minus strand). Cytogenetic location: 4p16.2.
Variant type: single nucleotide variant.
Coding change: c.2942C>G on transcript NM_147127.5 (MANE Select); coding-DNA position 2942, C replaced by G.
Protein change: p.Thr981Ser; replaces threonine 981 with serine.
Molecular consequence: missense variant.
Genome position (GRCh38, 1-based): chr4:5,584,738, G>C on the plus strand (C>G on the coding strand, the complement: EVC2 is on the minus strand). VCF-style: chr4-5584738-G-C. GRCh37 (hg19) VCF-style: chr4-5586465-G-C.
Other names: c.2702C>G, p.Thr901Ser (NM_001166136.2); short protein forms T901S, T981S.
Identifiers: ClinVar variation 3761160 (VCV003761160.2).